The following is an entry in ClinVar:

NM_005633.4(SOS1):c.*3918T>C

Gene: SOS1 (SOS Ras/Rac guanine nucleotide exchange factor 1; minus strand). Cytogenetic location: 2p22.1.
Variant type: single nucleotide variant.
Coding change: c.*3918T>C on transcript NM_005633.4 (MANE Select); 3918 bases downstream of the stop codon, T replaced by C.
Molecular consequence: 3 prime UTR variant.
Genome position (GRCh38, 1-based): chr2:38,981,906, A>G on the plus strand (T>C on the coding strand, the complement: SOS1 is on the minus strand). VCF-style: chr2-38981906-A-G. GRCh37 (hg19) VCF-style: chr2-39209047-A-G.
Other names: c.*3918T>C (NM_001382394.1, NM_001382395.1).
Identifiers: ClinVar variation 335967 (VCV000335967.6), dbSNP rs1043793, ClinGen allele CA10615199.

ClinVar aggregate classification (germline): Benign. Review status: criteria provided, multiple submitters, no conflicts (2 of 4 stars). 3 submissions from 2 submitters: Benign (3). Last evaluated 2018-01-13.

Conditions:
Fibromatosis, gingival, 1 (GINGF1). Identifiers: Orphanet 2024, MedGen C4551558, MONDO:0007609, OMIM 135300.
Noonan syndrome 4 (NS4). Also called: SOS1-Related Noonan Syndrome; NOONAN SYNDROME WITH PIGMENTED VILLONODULAR SYNOVITIS. Identifiers: Orphanet 648, MedGen C1853120, MONDO:0012547, OMIM 610733.

Allele frequency attached by ClinVar (database versions not stated): 1000 Genomes Project 30x 0.73517; 1000 Genomes Project 0.74760; TOPMed 0.77486; gnomAD 0.79061 and 0.79508; gnomAD exomes 1.00000.
gnomAD v4.1: 121,105 of 152,120 alleles (80%); highest among the groups gnomAD compares: Non-Finnish European, 92%; 50,944 homozygotes.

Submissions (3):

Illumina Laboratory Services, Illumina
Classification: Benign for Noonan syndrome 4. Last evaluated: 2018-01-13. Review status: criteria provided, single submitter. Criteria: ICSL Variant Classification Criteria 13 December 2019. Collection method: clinical testing. Allele origin: germline.
Comment: This variant was observed in the ICSL laboratory as part of a predisposition screen in an ostensibly healthy population. It had not been previously curated by ICSL or reported in the Human Gene Mutation Database (HGMD: prior to June 1st, 2018), and was therefore a candidate for classification through an automated scoring system. Utilizing variant allele frequency, disease prevalence and penetrance estimates, and inheritance mode, an automated score was calculated to assess if this variant is too frequent to cause the disease. Based on the score and internal cut-off values, a variant classified as benign is not then subjected to further curation. The score for this variant resulted in a classification of benign for this disease.

Illumina Laboratory Services, Illumina
Classification: Benign for Fibromatosis, gingival, 1. Last evaluated: 2018-01-13. Review status: criteria provided, single submitter. Criteria: ICSL Variant Classification Criteria 13 December 2019. Collection method: clinical testing. Allele origin: germline.
Comment: the same text as in the submission from Illumina Laboratory Services, Illumina above.

Breakthrough Genomics
Classification: Benign. Review status: criteria provided, single submitter. Criteria: ACMG Guidelines, 2015. Collection method: not provided. Allele origin: germline. Inheritance: Autosomal dominant inheritance. Affected: yes.